The following is an entry in ClinVar:

NM_012452.3(TNFRSF13B):c.542C>T (p.Ala181Val)

Gene: TNFRSF13B (TNF receptor superfamily member 13B; minus strand). Cytogenetic location: 17p11.2.
Variant type: single nucleotide variant.
Coding change: c.542C>T on transcript NM_012452.3 (MANE Select); coding-DNA position 542, C replaced by T.
Protein change: p.Ala181Val; replaces alanine 181 with valine.
Molecular consequence: missense variant.
Genome position (GRCh38, 1-based): chr17:16,940,415, G>A on the plus strand (C>T on the coding strand, the complement: TNFRSF13B is on the minus strand). VCF-style: chr17-16940415-G-A. GRCh37 (hg19) VCF-style: chr17-16843729-G-A.
Other names: short protein forms A181V.
Identifiers: ClinVar variation 2698614 (VCV002698614.2), dbSNP rs72553883, ClinGen allele CA8413957.
Genomic context (GRCh38, chr17:16,940,415, plus strand): 5'-GGCCTTGAGCGGGGCTGGCAGGAGCAGGGATCCCCCCTCTTCTTGAGGAAGCAGGCCACC[G>A]CCACCAGGAAGCAGCAGAGGACGGCACACAGGCAGAGCCCCAGCGTGCTGTAGACCAGGG-3'
Protein context (NP_036584.1, residues 171-191): LCAVLCCFLV[Ala181Val]VACFLKKRGD

ClinVar aggregate classification (germline): Uncertain significance (1 of 4 stars; one submission).

Conditions:
Immunodeficiency, common variable, 2 (CVID2). Also called: ANTIBODY DEFICIENCY DUE TO TACI DEFECT; HYPOGAMMAGLOBULINEMIA DUE TO TACI DEFICIENCY. Identifiers: Orphanet 1572, MedGen C3150354, MONDO:0009413, OMIM 240500.

Submission:

Labcorp Genetics (formerly Invitae), Labcorp
Classification: Uncertain significance for Immunodeficiency, common variable, 2. Last evaluated: 2023-11-08. Review status: criteria provided, single submitter. Criteria: Invitae Variant Classification Sherloc (09022015). Collection method: clinical testing. Allele origin: germline.
Comment: This sequence change replaces alanine, which is neutral and non-polar, with valine, which is neutral and non-polar, at codon 181 of the TNFRSF13B protein (p.Ala181Val). This variant is present in population databases (rs72553883, gnomAD 0.01%). This variant has not been reported in the literature in individuals affected with TNFRSF13B-related conditions. Advanced modeling of protein sequence and biophysical properties (such as structural, functional, and spatial information, amino acid conservation, physicochemical variation, residue mobility, and thermodynamic stability) performed at Invitae indicates that this missense variant is not expected to disrupt TNFRSF13B protein function with a negative predictive value of 80%. This variant disrupts the p.Ala181 amino acid residue in TNFRSF13B. Other variant(s) that disrupt this residue have been determined to be pathogenic (PMID: 16007086, 16007087, 19605846, 20156508, 21419480, 23237420, 24051380). This suggests that this residue is clinically significant, and that variants that disrupt this residue are likely to be disease-causing. In summary, the available evidence is currently insufficient to determine the role of this variant in disease. Therefore, it has been classified as a Variant of Uncertain Significance.

Literature cited by the submitters: PubMed 16007086; PubMed 16007087; PubMed 19605846; PubMed 20156508; PubMed 21419480; PubMed 23237420; PubMed 24051380.